The following is an entry in ClinVar:

NM_018896.5(CACNA1G):c.1533G>A (p.Thr511=)

Gene: CACNA1G (calcium voltage-gated channel subunit alpha1 G; plus strand). Cytogenetic location: 17q21.33.
Variant type: single nucleotide variant.
Coding change: c.1533G>A on transcript NM_018896.5 (MANE Select); coding-DNA position 1533, G replaced by A.
Protein change: p.Thr511=; no amino-acid change (threonine 511 retained).
Molecular consequence: synonymous variant. On other transcripts: non-coding transcript variant (5).
Genome position (GRCh38, 1-based): chr17:50,575,935, G>A. VCF-style: chr17-50575935-G-A. GRCh37 (hg19) VCF-style: chr17-48653296-G-A.
Other names: c.1533G>A, p.Thr511= (NM_001256324.2, NM_001256325.2, NM_001256326.2 and 24 more transcripts).
Identifiers: ClinVar variation 1694851 (VCV001694851.31), dbSNP rs936995449, ClinGen allele CA291598777.

ClinVar aggregate classification (germline): Likely benign (1 of 4 stars; one submission).

Allele frequency attached by ClinVar (database versions not stated): gnomAD exomes 0.00001.
gnomAD v4.1: 36 of 1,554,962 alleles (0.0023%); highest among the groups gnomAD compares: Middle Eastern, 0.017%; no homozygotes.

Submission:

CeGaT Center for Human Genetics Tuebingen
Classification: Likely benign. Last evaluated: 2022-06-01. Review status: criteria provided, single submitter. Criteria: CeGaT Center For Human Genetics Tuebingen Variant Classification Criteria Version 2. Collection method: clinical testing. Allele origin: germline. Affected: yes. Observed: 1 variant allele.
Comment: CACNA1G: BP4, BP7